The following is an entry in ClinVar:

ClinVar aggregate classification (germline): Uncertain significance (1 of 4 stars; one submission).

Conditions:
Familial thoracic aortic aneurysm and aortic dissection (TAAD). Also called: Thoracic aortic aneurysms and dissections. Identifiers: Orphanet 91387, MedGen C4707243, MONDO:0019625.

Submission:

Ambry Genetics
Classification: Uncertain significance for Familial thoracic aortic aneurysm and aortic dissection. Last evaluated: 2026-06-01. Review status: criteria provided, single submitter. Criteria: Ambry Variant Classification Scheme 2023. Collection method: clinical testing. Allele origin: germline.
Comment: The p.R823K variant (also known as c.2468G>A), located in coding exon 15 of the MYLK gene, results from a G to A substitution at nucleotide position 2468. The arginine at codon 823 is replaced by lysine, an amino acid with highly similar properties. This amino acid position is conserved. In addition, this alteration is predicted to be tolerated by in silico analysis. Based on the available evidence, the clinical significance of this variant remains unclear.

NM_053025.4(MYLK):c.2468G>A (p.Arg823Lys)

Gene: MYLK (myosin light chain kinase; minus strand). Cytogenetic location: 3q21.1.
Variant type: single nucleotide variant.
Coding change: c.2468G>A on transcript NM_053025.4 (MANE Select); coding-DNA position 2468, G replaced by A.
Protein change: p.Arg823Lys; replaces arginine 823 with lysine.
Molecular consequence: missense variant.
Genome position (GRCh38, 1-based): chr3:123,701,000, C>T on the plus strand (G>A on the coding strand, the complement: MYLK is on the minus strand). VCF-style: chr3-123701000-C-T. GRCh37 (hg19) VCF-style: chr3-123419847-C-T.
Other names: c.1940G>A, p.Arg647Lys (NM_001321309.2); c.2261G>A, p.Arg754Lys (NM_053026.4, NM_053028.4); c.2468G>A, p.Arg823Lys (NM_053027.4); short protein forms R647K, R754K, R823K.
Identifiers: ClinVar variation 4860609 (VCV004860609.1).
Genomic context (GRCh38, chr3:123,701,000, plus strand): 5'-CTACCACCACCATCAGCACCAACTCCTCCACCACAGAGGTCCTCGCAGCTGGCAGGCTCC[C>T]TCCCCCTGCAACCAGTGTAGGGAAAAAGGAAAGTAGCAGGAGGAAAAGGGGCTGGGTAAG-3'
Protein context (NP_444253.3, residues 813-833): NSSARALPRG[Arg823Lys]EPASCEDLCG